The following is an entry in ClinVar:

ClinVar aggregate classification (germline): Uncertain significance. Review status: criteria provided, multiple submitters, no conflicts (2 of 4 stars). 2 submissions from 2 submitters: Uncertain significance (2). Last evaluated 2024-01-09.

Conditions:
Ullrich congenital muscular dystrophy 2 (UCMD2). Identifiers: Orphanet 75840, MedGen C4225314, MONDO:0014654, OMIM 616470.
Bethlem myopathy 2 (BTHLM2). Identifiers: Orphanet 536516, Orphanet 610, MedGen C4225313, MONDO:0034022, OMIM 616471.

Submissions (2):

Labcorp Genetics (formerly Invitae), Labcorp
Classification: Uncertain significance for Bethlem myopathy 2; Ullrich congenital muscular dystrophy 2. Last evaluated: 2024-01-09. Review status: criteria provided, single submitter. Criteria: Invitae Variant Classification Sherloc (09022015). Collection method: clinical testing. Allele origin: germline.
Comment: This sequence change replaces arginine, which is basic and polar, with serine, which is neutral and polar, at codon 2397 of the COL12A1 protein (p.Arg2397Ser). This variant is not present in population databases (gnomAD no frequency). This variant has not been reported in the literature in individuals affected with COL12A1-related conditions. ClinVar contains an entry for this variant (Variation ID: 1433799). Advanced modeling of protein sequence and biophysical properties (such as structural, functional, and spatial information, amino acid conservation, physicochemical variation, residue mobility, and thermodynamic stability) performed at Invitae indicates that this missense variant is not expected to disrupt COL12A1 protein function with a negative predictive value of 80%. In summary, the available evidence is currently insufficient to determine the role of this variant in disease. Therefore, it has been classified as a Variant of Uncertain Significance.

GeneDx
Classification: Uncertain significance. Last evaluated: 2022-09-21. Review status: criteria provided, single submitter. Criteria: GeneDx Variant Classification Process June 2021. Collection method: clinical testing. Allele origin: germline. Affected: yes.
Comment: Has not been previously published as pathogenic or benign to our knowledge; Not observed at significant frequency in large population cohorts (gnomAD); In silico analysis supports that this missense variant has a deleterious effect on protein structure/function

NM_004370.6(COL12A1):c.7191A>T (p.Arg2397Ser)

Genes: COL12A1 (collagen type XII alpha 1 chain; minus strand), LOC126859712 (MED14-independent group 3 enhancer GRCh37_chr6:75828643-75829842; plus strand). Cytogenetic location: 6q13.
Variant type: single nucleotide variant.
Coding change: c.7191A>T on transcript NM_004370.6 (MANE Select); coding-DNA position 7191, A replaced by T.
Protein change: p.Arg2397Ser; replaces arginine 2397 with serine.
Molecular consequence: missense variant.
Genome position (GRCh38, 1-based): chr6:75,119,369, T>A on the plus strand (A>T on the coding strand, the complement: COL12A1 is on the minus strand). VCF-style: chr6-75119369-T-A. GRCh37 (hg19) VCF-style: chr6-75829085-T-A.
Other names: c.7191A>T (NM_004370.5); c.3699A>T, p.Arg1233Ser (NM_080645.3); short protein forms R1233S, R2397S.
Identifiers: ClinVar variation 1433799 (VCV001433799.9), dbSNP rs2149366659, ClinGen allele CA364748456.